The following continues an entry in ClinVar:

NM_000051.4(ATM):c.5712dup (p.Ser1905fs)

Gene: ATM. ClinVar aggregate classification (germline): Pathogenic. Pathogenic (15).

Submissions 14 to 19 of 19:

Mendelics
Classification: Pathogenic for Ataxia-telangiectasia syndrome. Last evaluated: 2018-07-02. Review status: criteria provided, single submitter. Criteria: Mendelics Assertion Criteria 2017. Collection method: clinical testing. Allele origin: unknown.

Women's Health and Genetics/Laboratory Corporation of America, LabCorp
Classification: Pathogenic for Ataxia-telangiectasia syndrome. Last evaluated: 2018-04-09. Review status: criteria provided, single submitter. Criteria: LabCorp Variant Classification Summary - May 2015. Collection method: clinical testing. Allele origin: germline.
Comment: Variant summary: ATM c.5712dupA (p.Ser1905IlefsX25) results in a premature termination codon, predicted to cause a truncation of the encoded protein or absence of the protein due to nonsense mediated decay, which are commonly known mechanisms for disease. The variant allele was found at a frequency of 8.1e-06 in 245942 control chromosomes (gnomAD). This frequency is not significantly higher than expected for a pathogenic variant in ATM causing Ataxia-Telangiectasia (8.1e-06 vs 4.00e-03), allowing no conclusion about variant significance. The variant, c.5712dupA, has been reported in the literature in individuals affected with Ataxia-Telangiectasia, breast, and pancreatic cancer (Susswein_2016, Tung_2015, Gilad_1996). These data indicate that the variant is likely to be associated with disease. To our knowledge, no experimental evidence demonstrating an impact on protein function has been reported. Four clinical diagnostic laboratories have submitted clinical-significance assessments for this variant to ClinVar after 2014 without evidence for independent evaluation. All laboratories classified the variant as pathogenic. Based on the evidence outlined above, the variant was classified as pathogenic.

Laboratory for Genotyping Development, RIKEN
Classification: Pathogenic for Gastric cancer. Last evaluated: 2021-07-01. Review status: no assertion criteria provided. Collection method: research. Allele origin: germline. Not counted in ClinVar's aggregate classification.

Counsyl
Classification: Likely pathogenic for Ataxia-telangiectasia syndrome. Last evaluated: 2014-03-07. Review status: no assertion criteria provided. Collection method: literature only. Allele origin: unknown. Inheritance: Autosomal recessive inheritance. Not counted in ClinVar's aggregate classification.

Department of Pathology and Laboratory Medicine, Sinai Health System
Classification: Pathogenic for Malignant tumor of breast. Review status: no assertion criteria provided. Collection method: clinical testing. Allele origin: unknown. Affected: yes. Study: The Canadian Open Genetics Repository (COGR). Not counted in ClinVar's aggregate classification.
Comment: The ATM p.Ser1905Ilefs*25 variant was identified in 9 of 20562 proband chromosomes (frequency: 0.0004) from individuals or families with Ataxia-Telangiectasia or pancreatic cancer (Becker-Catania 2000, Li 2000, Mitui 2005, Susswein 2015). The variant was also identified in dbSNP (ID: rs1040777064), ClinVar (classified as pathogenic by Invitae, Ambry Genetics, GeneDx, Color and Mendelics Analise Genomica; and as likely pathogenic by Counsyl). The variant was not identified in LOVD 3.0. The variant was not identified in the following databases: the Exome Aggregation Consortium (August 8th 2016) or the Genome Aggregation Database (Feb 27, 2017). The c.5712dup variant is predicted to cause a frameshift, which alters the protein's amino acid sequence beginning at codon 1905 and leads to a premature stop codon at position 1929. This alteration is then predicted to result in a truncated or absent protein and loss of function. Loss of function variants of the ATM gene are an established mechanism of disease in ATM associated cancers and is the type of variant expected to cause the disorder. In summary, based on the above information, this variant meets our laboratoryâ€šÃ„Ã´s criteria to be classified as pathogenic.

Immunology, Asthma and Allergy Research Institute, Tehran University of Medical Sciences
Classification: Pathogenic for Ataxia-telangiectasia syndrome. Review status: no assertion criteria provided. Collection method: research. Allele origin: inherited. Affected: yes. Not counted in ClinVar's aggregate classification.

Literature cited by the submitters: PubMed 23807571 (cited by Labcorp Genetics (formerly Invitae), Labcorp); PubMed 25614872 (cited by Labcorp Genetics (formerly Invitae), Labcorp); PubMed 8845835 (cited by 6 submitters); PubMed 10817650 (cited by 6 submitters); PubMed 10873394 (cited by 5 submitters); PubMed 16266405 (cited by 6 submitters); PubMed 26681312 (cited by 5 submitters); PubMed 18321536 (cited by Ambry Genetics); PubMed 25186627 (cited by 3 submitters); PubMed 26270727 (cited by 3 submitters); PubMed 28843361 (cited by Ambry Genetics and Sema4); PubMed 29506128 (cited by 3 submitters); PubMed 35078243 (cited by Color Diagnostics, LLC DBA Color Health); PubMed 31050087 (cited by Sema4); PubMed 36988593 (cited by Laboratory for Genotyping Development, RIKEN); PubMed 7792600 (cited by Counsyl).